The following is an entry in ClinVar:

NM_022455.5(NSD1):c.6691G>A (p.Gly2231Arg)

Gene: NSD1 (nuclear receptor binding SET domain protein 1; plus strand). Cytogenetic location: 5q35.3.
Variant type: single nucleotide variant.
Coding change: c.6691G>A on transcript NM_022455.5 (MANE Select); coding-DNA position 6691, G replaced by A.
Protein change: p.Gly2231Arg; replaces glycine 2231 with arginine.
Molecular consequence: missense variant.
Genome position (GRCh38, 1-based): chr5:177,294,059, G>A. VCF-style: chr5-177294059-G-A. GRCh37 (hg19) VCF-style: chr5-176721060-G-A.
Other names: c.5818G>A, p.Gly1940Arg (NM_001365684.2, NM_001409308.1, NM_172349.5); c.6691G>A, p.Gly2231Arg (NM_001409301.1, NM_001409302.1, NM_001409303.1); c.6271G>A, p.Gly2091Arg (NM_001409304.1); c.5938G>A, p.Gly1980Arg (NM_001409305.1); c.5929G>A, p.Gly1977Arg (NM_001409306.1, NM_001409307.1); c.5569G>A, p.Gly1857Arg (NM_001409309.1); short protein forms G1857R, G1940R, G2231R, G1977R, G1980R, G2091R.
Identifiers: ClinVar variation 3674386 (VCV003674386.2).

ClinVar aggregate classification (germline): Uncertain significance (1 of 4 stars; one submission).

gnomAD v4.1: 2 of 1,614,062 alleles (0.00012%); highest among the groups gnomAD compares: Non-Finnish European, 0.00017%; no homozygotes.

Submission:

Labcorp Genetics (formerly Invitae), Labcorp
Classification: Uncertain significance. Last evaluated: 2023-04-04. Review status: criteria provided, single submitter. Criteria: Invitae Variant Classification Sherloc (09022015). Collection method: clinical testing. Allele origin: germline.
Comment: This sequence change replaces glycine, which is neutral and non-polar, with arginine, which is basic and polar, at codon 2231 of the NSD1 protein (p.Gly2231Arg). This variant is not present in population databases (gnomAD no frequency). This variant has not been reported in the literature in individuals affected with NSD1-related conditions. Advanced modeling of protein sequence and biophysical properties (such as structural, functional, and spatial information, amino acid conservation, physicochemical variation, residue mobility, and thermodynamic stability) performed at Invitae indicates that this missense variant is not expected to disrupt NSD1 protein function. In summary, the available evidence is currently insufficient to determine the role of this variant in disease. Therefore, it has been classified as a Variant of Uncertain Significance.